The following is an entry in ClinVar:

ClinVar aggregate classification (germline): Pathogenic (1 of 4 stars; one submission).

Conditions:
Hereditary breast ovarian cancer syndrome. Also called: Hereditary breast and ovarian cancer; Hereditary breast and ovarian cancer syndrome (HBOC); Breast and ovarian cancer; Hereditary breast and ovarian cancer syndrome; BRCA1- and BRCA2-Associated Hereditary Breast and Ovarian Cancer; Hereditary breast and/or ovarian cancer syndrome. Identifiers: Orphanet 145, MedGen C0677776, MeSH D061325, MONDO:0003582. Disease mechanism: loss of function.

Submission:

Women's Health and Genetics/Laboratory Corporation of America, LabCorp
Classification: Pathogenic for Hereditary breast ovarian cancer syndrome. Last evaluated: 2023-12-04. Review status: criteria provided, single submitter. Criteria: LabCorp Variant Classification Summary - May 2015. Collection method: clinical testing. Allele origin: germline.
Comment: Variant summary: BRCA2 c.6237_6238delGT (p.Leu2080ArgfsX4) results in a premature termination codon, predicted to cause absence of the protein due to nonsense mediated decay, which is a commonly known mechanism for disease. Variants downstream of this position have been classified as pathogenic by our laboratory. The variant was absent in 247276 control chromosomes (gnomAD). To our knowledge, no occurrence of c.6237_6238delGT in individuals affected with Hereditary Breast And Ovarian Cancer Syndrome and no experimental evidence demonstrating its impact on protein function have been reported in the literature. Co-occurrence with another pathogenic variant (BRCA2 c.9076C>T, p.Gln3026X) has been reported multiple times, with one observation in UMD and several observations in our laboratory, among which, at least one patient was possibly reported with Fanconi Anemia (BRCA Share database, see ClinVar Variation ID 38207). However, no additional information is available to confirm the phase or clinical features of the else tested cases. No other submitters have cited clinical-significance assessments for this variant to ClinVar after 2014. Based on the evidence outlined above, the variant was classified as pathogenic.

NM_000059.4(BRCA2):c.6237_6238del (p.Leu2080fs)

Gene: BRCA2 (BRCA2 DNA repair associated; plus strand). Cytogenetic location: 13q13.1.
Variant type: Microsatellite.
Coding change: c.6237_6238del on transcript NM_000059.4 (MANE Select); coding-DNA positions 6237 to 6238, 2 bases deleted (GT; older notation c.6237_6238delGT).
Protein change: p.Leu2080fs; shifts the reading frame from leucine 2080.
Molecular consequence: frameshift variant.
Genome position (GRCh38, 1-based): chr13:32,340,592-32,340,593, GT deleted; deleting any 2 consecutive bases within chr13:32,340,590-32,340,593 gives the same sequence; the c. name uses the placement nearest the transcript's 3' end. VCF-style (leftmost placement, unchanged base first): chr13-32340589-AGT-A. GRCh37 (hg19) VCF-style: chr13-32914726-AGT-A.
Other names: c.6237_6238delGT (NM_000059.3, NM_000059.4); short protein forms L2080fs.
Identifiers: ClinVar variation 632701 (VCV000632701.4), dbSNP rs1593907958, ClinGen allele CA913191188.
Genomic context (GRCh38, chr13:32,340,589, plus strand): 5'-TAGTACAGCAAGTGGAAAGCAAGTTTCCATTTTAGAAAGTTCCTTACACAAAGTTAAGGG[AGT>A]GTTAGAGGAATTTGATTTAATCAGAACTGAGCATAGTCTTCACTATTCACCTACGTCTAG-3'